The following is an entry in ClinVar:

ClinVar aggregate classification (germline): Uncertain significance (1 of 4 stars; one submission).

Conditions:
Inborn genetic diseases. Identifiers: MedGen C0950123, MeSH D030342.

Submission:

Ambry Genetics
Classification: Uncertain significance for Inborn genetic diseases. Last evaluated: 2026-03-23. Review status: criteria provided, single submitter. Criteria: Ambry Variant Classification Scheme 2023. Collection method: clinical testing. Allele origin: germline.
Comment: The p.D259N variant (also known as c.775G>A), located in coding exon 4 of the ERCC6L2 gene, results from a G to A substitution at nucleotide position 775. The aspartic acid at codon 259 is replaced by asparagine, an amino acid with highly similar properties. This amino acid position is conserved. In addition, this alteration is predicted to be tolerated by in silico analysis. Based on the available evidence, the clinical significance of this variant remains unclear.

NM_020207.7(ERCC6L2):c.775G>A (p.Asp259Asn)

Gene: ERCC6L2 (ERCC excision repair 6 like 2; plus strand). Cytogenetic location: 9q22.32.
Variant type: single nucleotide variant.
Coding change: c.775G>A on transcript NM_020207.7 (MANE Select); coding-DNA position 775, G replaced by A.
Protein change: p.Asp259Asn; replaces aspartic acid 259 with asparagine.
Molecular consequence: missense variant. On other transcripts: non-coding transcript variant (1).
Genome position (GRCh38, 1-based): chr9:95,907,258, G>A. VCF-style: chr9-95907258-G-A. GRCh37 (hg19) VCF-style: chr9-98669540-G-A.
Other names: c.775G>A, p.Asp259Asn (NM_001010895.4, NM_001375291.1, NM_001375292.1 and 2 more transcripts); short protein forms D259N.
Identifiers: ClinVar variation 4870573 (VCV004870573.1).